The following is an entry in ClinVar:

NC_000002.12:g.121530914A>G

Genes: RNU4ATAC (RNA, U4atac small nuclear; plus strand), CLASP1 (cytoplasmic linker associated protein 1; minus strand), CLASP1-AS1 (CLASP1 antisense RNA 1; plus strand). Cytogenetic location: 2q14.2.
Variant type: single nucleotide variant.
Molecular consequence: intron variant (on NM_001395891.1).
Genome position: GRCh38 VCF-style: chr2-121530914-A-G. GRCh37 (hg19) VCF-style: chr2-122288490-A-G.
Other names: c.196-589T>C (NM_001142274.2, NM_015282.3, NM_001378003.1 and 5 more transcripts).
Identifiers: ClinVar variation 1351945 (VCV001351945.6), dbSNP rs771577373, ClinGen allele CA1854691.

ClinVar aggregate classification (germline): Uncertain significance (1 of 4 stars; one submission).

Allele frequency attached by ClinVar (database versions not stated): ExAC 0.00019; TOPMed 0.00005.
gnomAD v4.1: 42 of 699,220 alleles (0.006%); highest among the groups gnomAD compares: Admixed American, 0.016%; no homozygotes.

Submission:

Labcorp Genetics (formerly Invitae), Labcorp
Classification: Uncertain significance. Last evaluated: 2024-12-02. Review status: criteria provided, single submitter. Criteria: Invitae Variant Classification Sherloc (09022015). Collection method: clinical testing. Allele origin: germline.
Comment: This variant occurs in the RNU4ATAC gene, which encodes an RNA molecule that does not result in a protein product. This variant is present in population databases (rs771577373, gnomAD 0.01%). This variant has not been reported in the literature in individuals affected with RNU4ATAC-related conditions. ClinVar contains an entry for this variant (Variation ID: 1351945). This variant is located within the 5' stem-loop region of the RNU4ATAC RNA, which includes the 15.5K binding site and is important for spliceosome assembly (PMID: 32628740). A significant number of disease-associated RNU4ATAC variants are found in this region (PMID: 32628740, 30368667). In summary, the available evidence is currently insufficient to determine the role of this variant in disease. Therefore, it has been classified as a Variant of Uncertain Significance.

Literature cited by the submitters: PubMed 32628740; PubMed 30368667.